The following is an entry in ClinVar:

ClinVar aggregate classification (germline): Uncertain significance (1 of 4 stars; one submission).

Conditions:
Hypertrophic cardiomyopathy. Also called: HYPERTROPHIC MYOCARDIOPATHY. Identifiers: Orphanet 217569, MedGen C0007194, MeSH D002312, MONDO:0005045, HP:0001639.

Submission:

Labcorp Genetics (formerly Invitae), Labcorp
Classification: Uncertain significance for Hypertrophic cardiomyopathy. Last evaluated: 2024-06-11. Review status: criteria provided, single submitter. Criteria: Invitae Variant Classification Sherloc (09022015). Collection method: clinical testing. Allele origin: germline.
Comment: This sequence change falls in intron 5 of the MYL3 gene. It does not directly change the encoded amino acid sequence of the MYL3 protein. It affects a nucleotide within the consensus splice site. This variant is not present in population databases (gnomAD no frequency). This variant has not been reported in the literature in individuals affected with MYL3-related conditions. Variants that disrupt the consensus splice site are a relatively common cause of aberrant splicing (PMID: 17576681, 9536098). Algorithms developed to predict the effect of sequence changes on RNA splicing suggest that this variant may disrupt the consensus splice site. In summary, the available evidence is currently insufficient to determine the role of this variant in disease. Therefore, it has been classified as a Variant of Uncertain Significance.

Literature cited by the submitters: PubMed 17576681; PubMed 9536098.

NM_000258.3(MYL3):c.559+1G>T

Gene: MYL3 (myosin light chain 3; minus strand). Cytogenetic location: 3p21.31.
Variant type: single nucleotide variant.
Coding change: c.559+1G>T on transcript NM_000258.3 (MANE Select); the canonical splice donor site of the intron after coding-DNA position 559, G replaced by T.
Molecular consequence: splice donor variant.
Genome position (GRCh38, 1-based): chr3:46,858,383, C>A on the plus strand (G>T on the coding strand, the complement: MYL3 is on the minus strand). VCF-style: chr3-46858383-C-A. GRCh37 (hg19) VCF-style: chr3-46899873-C-A.
Other names: c.559+1G>T (NM_001406939.1, NM_001406938.1, NM_001406937.1); c.385+1G>T (NM_001406940.1); c.370+1G>T (NM_001406941.1).
Identifiers: ClinVar variation 3685755 (VCV003685755.2).
Genomic context (GRCh38, chr3:46,858,383, plus strand): 5'-GGCTGGGAGCCTGGGTCCCAGCACTCCCCTCCCAGAAGACCCCTGCCCCTGCTGAGCCCA[C>A]CTTCATAGTTGATGCAGCCATTGGAGTCCTCTTGCCCAGCCATCAACTTCTCCACTTCGT-3'